The following is an entry in ClinVar:

NM_032108.4(SEMA6B):c.2138C>A (p.Thr713Lys)

Gene: SEMA6B (semaphorin 6B; minus strand). Cytogenetic location: 19p13.3.
Variant type: single nucleotide variant.
Coding change: c.2138C>A on transcript NM_032108.4 (MANE Select); coding-DNA position 2138, C replaced by A.
Protein change: p.Thr713Lys; replaces threonine 713 with lysine.
Molecular consequence: missense variant.
Genome position (GRCh38, 1-based): chr19:4,544,130, G>T on the plus strand (C>A on the coding strand, the complement: SEMA6B is on the minus strand). VCF-style: chr19-4544130-G-T. GRCh37 (hg19) VCF-style: chr19-4544142-G-T.
Other names: short protein forms T713K.
Identifiers: ClinVar variation 2502447 (VCV002502447.2), dbSNP rs2145342338, ClinGen allele CA403461148.

ClinVar aggregate classification (germline): Uncertain significance (1 of 4 stars; one submission).

Submission:

GeneDx
Classification: Uncertain significance. Last evaluated: 2024-10-15. Review status: criteria provided, single submitter. Criteria: GeneDx Variant Classification Process June 2021. Collection method: clinical testing. Allele origin: germline.
Comment: Not observed at significant frequency in large population cohorts (gnomAD); In silico analysis supports that this missense variant has a deleterious effect on protein structure/function; Has not been previously published as pathogenic or benign to our knowledge